The following is an entry in ClinVar:

NM_003476.5(CSRP3):c.163G>A (p.Glu55Lys)

Gene: CSRP3 (cysteine and glycine rich protein 3; minus strand). Cytogenetic location: 11p15.1.
Variant type: single nucleotide variant.
Coding change: c.163G>A on transcript NM_003476.5 (MANE Select); coding-DNA position 163, G replaced by A.
Protein change: p.Glu55Lys; replaces glutamic acid 55 with lysine.
Molecular consequence: missense variant. On other transcripts: intron variant (1).
Genome position (GRCh38, 1-based): chr11:19,188,254, C>T on the plus strand (G>A on the coding strand, the complement: CSRP3 is on the minus strand). VCF-style: chr11-19188254-C-T. GRCh37 (hg19) VCF-style: chr11-19209801-C-T.
Other names: c.163G>A, p.Glu55Lys (NM_001127656.1); c.113-1906G>A (NM_001369404.1); short protein forms E55K.
Identifiers: ClinVar variation 1777010 (VCV001777010.4), dbSNP rs2494223567, ClinGen allele CA379888354.

ClinVar aggregate classification (germline): Uncertain significance. Review status: criteria provided, multiple submitters, no conflicts (2 of 4 stars). 2 submissions from 2 submitters: Uncertain significance (2). Last evaluated 2025-01-12.

Conditions:
Hypertrophic cardiomyopathy 12. Identifiers: MedGen C2677491, MONDO:0012804, OMIM 612124.
Dilated cardiomyopathy 1M (CMD1M). Identifiers: Orphanet 154, MedGen C1843808, MONDO:0011840, OMIM 607482.
Cardiovascular phenotype. Identifiers: MedGen CN230736.

Submissions (2):

Labcorp Genetics (formerly Invitae), Labcorp
Classification: Uncertain significance for Hypertrophic cardiomyopathy 12; Dilated cardiomyopathy 1M. Last evaluated: 2025-01-12. Review status: criteria provided, single submitter. Criteria: Invitae Variant Classification Sherloc (09022015). Collection method: clinical testing. Allele origin: germline.
Comment: This sequence change replaces glutamic acid, which is acidic and polar, with lysine, which is basic and polar, at codon 55 of the CSRP3 protein (p.Glu55Lys). This variant is not present in population databases (gnomAD no frequency). This variant has not been reported in the literature in individuals affected with CSRP3-related conditions. ClinVar contains an entry for this variant (Variation ID: 1777010). An algorithm developed to predict the effect of missense changes on protein structure and function (PolyPhen-2) suggests that this variant is likely to be disruptive. In summary, the available evidence is currently insufficient to determine the role of this variant in disease. Therefore, it has been classified as a Variant of Uncertain Significance.

Ambry Genetics
Classification: Uncertain significance for Cardiovascular phenotype. Last evaluated: 2020-07-21. Review status: criteria provided, single submitter. Criteria: Ambry Variant Classification Scheme 2023. Collection method: clinical testing. Allele origin: germline.
Comment: The p.E55K variant (also known as c.163G>A), located in coding exon 2 of the CSRP3 gene, results from a G to A substitution at nucleotide position 163. The glutamic acid at codon 55 is replaced by lysine, an amino acid with similar properties. This amino acid position is highly conserved in available vertebrate species. In addition, this alteration is predicted to be deleterious by in silico analysis. Since supporting evidence is limited at this time, the clinical significance of this alteration remains unclear.